The following is an entry in ClinVar:

ClinVar aggregate classification (germline): Uncertain significance (1 of 4 stars; one submission).

Submission:

Labcorp Genetics (formerly Invitae), Labcorp
Classification: Uncertain significance. Last evaluated: 2024-03-11. Review status: criteria provided, single submitter. Criteria: Invitae Variant Classification Sherloc (09022015). Collection method: clinical testing. Allele origin: germline.
Comment: This sequence change replaces aspartic acid, which is acidic and polar, with asparagine, which is neutral and polar, at codon 39 of the MARS2 protein (p.Asp39Asn). This variant is not present in population databases (gnomAD no frequency). This variant has not been reported in the literature in individuals affected with MARS2-related conditions. ClinVar contains an entry for this variant (Variation ID: 2083410). An algorithm developed to predict the effect of missense changes on protein structure and function (PolyPhen-2) suggests that this variant is likely to be tolerated. In summary, the available evidence is currently insufficient to determine the role of this variant in disease. Therefore, it has been classified as a Variant of Uncertain Significance.

NM_138395.4(MARS2):c.115G>A (p.Asp39Asn)

Gene: MARS2 (methionyl-tRNA synthetase 2, mitochondrial; plus strand). Cytogenetic location: 2q33.1.
Variant type: single nucleotide variant.
Coding change: c.115G>A on transcript NM_138395.4 (MANE Select); coding-DNA position 115, G replaced by A.
Protein change: p.Asp39Asn; replaces aspartic acid 39 with asparagine.
Molecular consequence: missense variant.
Genome position (GRCh38, 1-based): chr2:197,705,520, G>A. VCF-style: chr2-197705520-G-A. GRCh37 (hg19) VCF-style: chr2-198570244-G-A.
Other names: short protein forms D39N.
Identifiers: ClinVar variation 2083410 (VCV002083410.4), dbSNP rs1409415498, ClinGen allele CA350211518.